The following is an entry in ClinVar:

NM_139276.3(STAT3):c.1969_1971dup (p.Tyr657dup)

Gene: STAT3 (signal transducer and activator of transcription 3; minus strand). Cytogenetic location: 17q21.2.
Variant type: Duplication.
Coding change: c.1969_1971dup on transcript NM_139276.3 (MANE Select); coding-DNA positions 1969 to 1971, 3 bases duplicated (TAT; older notation c.1969_1971dupTAT).
Protein change: p.Tyr657dup; duplicates tyrosine 657.
Molecular consequence: inframe insertion.
Genome position (GRCh38, 1-based): chr17:42,322,412-42,322,414, ATA duplicated on the plus strand (TAT on the coding strand, the reverse complement: STAT3 is on the minus strand). VCF-style (leftmost placement, unchanged base first): chr17-42322411-T-TATA. GRCh37 (hg19) VCF-style: chr17-40474429-T-TATA.
Other names: c.1969_1971dup, p.Tyr657dup (NM_001369512.1, NM_001369513.1, NM_001369514.1 and 7 more transcripts).
Identifiers: ClinVar variation 960835 (VCV000960835.10), dbSNP rs2081520452, ClinGen allele CA645589637.

ClinVar aggregate classification (germline): Uncertain significance (1 of 4 stars; one submission).

Conditions:
Hyper-IgE recurrent infection syndrome 1, autosomal dominant. Also called: STAT3 Hyper IgE Syndrome; Hyper-IgE recurrent infection syndrome 1; HYPER-IgE SYNDROME 1, AUTOSOMAL DOMINANT, WITH RECURRENT INFECTIONS; Job's Syndrome; JOB SYNDROME. Identifiers: Orphanet 2314, MedGen C2936739, MONDO:0007818, OMIM 147060.
STAT3 gain of function. Identifiers: MedGen C4288261.

Allele frequency attached by ClinVar (database versions not stated): gnomAD 0.00001.

Submission:

Labcorp Genetics (formerly Invitae), Labcorp
Classification: Uncertain significance for STAT3 gain of function; Hyper-IgE recurrent infection syndrome 1, autosomal dominant. Last evaluated: 2023-03-18. Review status: criteria provided, single submitter. Criteria: Invitae Variant Classification Sherloc (09022015). Collection method: clinical testing. Allele origin: germline.
Comment: This variant, c.1969_1971dup, results in the insertion of 1 amino acid(s) of the STAT3 protein (p.Tyr657dup), but otherwise preserves the integrity of the reading frame. This variant is not present in population databases (gnomAD no frequency). This variant has not been reported in the literature in individuals affected with STAT3-related conditions. ClinVar contains an entry for this variant (Variation ID: 960835). Experimental studies and prediction algorithms are not available or were not evaluated, and the functional significance of this variant is currently unknown. In summary, the available evidence is currently insufficient to determine the role of this variant in disease. Therefore, it has been classified as a Variant of Uncertain Significance.